The following is an entry in ClinVar:

ClinVar aggregate classification (germline): Benign/Likely benign. Review status: criteria provided, multiple submitters, no conflicts (2 of 4 stars). 5 submissions from 5 submitters: Benign (1); Likely benign (4). Last evaluated 2025-12-20.

Conditions:
Familial adenomatous polyposis 1 (FAP1). Also called: POLYPOSIS, ADENOMATOUS INTESTINAL; FAMILIAL ADENOMATOUS POLYPOSIS 1, ATTENUATED. Identifiers: MedGen C2713442, MONDO:0021056, OMIM 175100. Disease mechanism: loss of function.
Classic or attenuated familial adenomatous polyposis. Identifiers: MedGen CN372698, MONDO:0021057.
Hereditary cancer-predisposing syndrome. Also called: Hereditary neoplastic syndrome; Neoplastic Syndromes, Hereditary; Tumor predisposition; Hereditary Cancer Syndrome. Identifiers: Orphanet 140162, MedGen C0027672, MeSH D009386, MONDO:0015356.

Allele frequency attached by ClinVar (database versions not stated): TOPMed below 0.00001; gnomAD exomes 0.00002.
gnomAD v4.1: 22 of 1,613,366 alleles (0.0014%); highest among the groups gnomAD compares: Non-Finnish European, 0.0019%; no homozygotes.

Submissions (5):

Labcorp Genetics (formerly Invitae), Labcorp
Classification: Likely benign for Familial adenomatous polyposis 1. Last evaluated: 2025-12-20. Review status: criteria provided, single submitter. Criteria: Invitae Variant Classification Sherloc (09022015). Collection method: clinical testing. Allele origin: germline.

Myriad Genetics, Inc.
Classification: Benign for Familial adenomatous polyposis 1. Last evaluated: 2024-04-03. Review status: criteria provided, single submitter. Criteria: Myriad Autosomal Dominant, Autosomal Recessive and X-Linked Classification Criteria (2023). Collection method: clinical testing. Allele origin: unknown.
Comment: This variant is considered benign. This variant is a silent/synonymous amino acid change and it is not expected to impact splicing.

All of Us Research Program, National Institutes of Health
Classification: Likely benign for Classic or attenuated familial adenomatous polyposis. Last evaluated: 2023-10-02. Review status: criteria provided, single submitter. Criteria: ACMG Guidelines, 2015. Collection method: clinical testing. Allele origin: germline. Inheritance: Autosomal dominant inheritance. Observed: 1 variant allele, 1 heterozygote.
Comment: This study involves interpretation of variants in research participants for the purpose of population health screening. Participant phenotype was not available at the time of variant classification. Additional details can be found in publication PMID: 35346344, PMCID: PMC8962531

Ambry Genetics
Classification: Likely benign for Hereditary cancer-predisposing syndrome. Last evaluated: 2017-09-08. Review status: criteria provided, single submitter. Criteria: Ambry Variant Classification Scheme 2023. Collection method: clinical testing. Allele origin: germline.

Color Diagnostics, LLC DBA Color Health
Classification: Likely benign for Hereditary cancer-predisposing syndrome. Last evaluated: 2017-02-14. Review status: criteria provided, single submitter. Criteria: ACMG Guidelines, 2015. Collection method: clinical testing. Allele origin: germline.

NM_000038.6(APC):c.6054A>G (p.Pro2018=)

Gene: APC (APC regulator of Wnt signaling pathway; plus strand). Cytogenetic location: 5q22.2.
Variant type: single nucleotide variant.
Coding change: c.6054A>G on transcript NM_000038.6 (MANE Select); coding-DNA position 6054, A replaced by G.
Protein change: p.Pro2018=; no amino-acid change (proline 2018 retained).
Molecular consequence: synonymous variant.
Genome position (GRCh38, 1-based): chr5:112,841,648, A>G. VCF-style: chr5-112841648-A-G. GRCh37 (hg19) VCF-style: chr5-112177345-A-G.
Other names: c.6054A>G, p.Pro2018= (NM_001127510.3, NM_001354895.2); c.6000A>G, p.Pro2000= (NM_001127511.3); c.6108A>G, p.Pro2036= (NM_001354896.2); c.6084A>G, p.Pro2028= (NM_001354897.2); c.5979A>G, p.Pro1993= (NM_001354898.2); c.5970A>G, p.Pro1990= (NM_001354899.2); c.5931A>G, p.Pro1977= (NM_001354900.2); c.5877A>G, p.Pro1959= (NM_001354901.2); and 5 more.
Identifiers: ClinVar variation 470033 (VCV000470033.21), dbSNP rs967247502, ClinGen allele CA125167811.